The following is an entry in ClinVar:

ClinVar aggregate classification (germline): Uncertain significance. Review status: criteria provided, multiple submitters, no conflicts (2 of 4 stars). 2 submissions from 2 submitters: Uncertain significance (2). Last evaluated 2025-04-19.

Conditions:
Hereditary cancer-predisposing syndrome. Also called: Tumor predisposition; Neoplastic Syndromes, Hereditary; Hereditary Cancer Syndrome; Hereditary neoplastic syndrome. Identifiers: Orphanet 140162, MedGen C0027672, MeSH D009386, MONDO:0015356.
Fanconi anemia (FA). Also called: Fanconi's anemia. Identifiers: Orphanet 84, MedGen C0015625, MeSH D005199, MONDO:0019391.

Allele frequency attached by ClinVar (database versions not stated): gnomAD exomes below 0.00001; TOPMed below 0.00001; gnomAD 0.00001.
gnomAD v4.1: 6 of 1,614,040 alleles (0.00037%); highest among the groups gnomAD compares: South Asian, 0.0011%; no homozygotes.

Submissions (2):

Ambry Genetics
Classification: Uncertain significance for Hereditary cancer-predisposing syndrome. Last evaluated: 2025-04-19. Review status: criteria provided, single submitter. Criteria: Ambry Variant Classification Scheme 2023. Collection method: clinical testing. Allele origin: germline.
Comment: The p.A415T variant (also known as c.1243G>A), located in coding exon 12 of the FANCC gene, results from a G to A substitution at nucleotide position 1243. The alanine at codon 415 is replaced by threonine, an amino acid with similar properties. This amino acid position is poorly conserved in available vertebrate species. In addition, this alteration is predicted to be tolerated by in silico analysis. Since supporting evidence is limited at this time, the clinical significance of this alteration remains unclear.

Labcorp Genetics (formerly Invitae), Labcorp
Classification: Uncertain significance for Fanconi anemia. Last evaluated: 2022-10-21. Review status: criteria provided, single submitter. Criteria: Invitae Variant Classification Sherloc (09022015). Collection method: clinical testing. Allele origin: germline.
Comment: Advanced modeling of protein sequence and biophysical properties (such as structural, functional, and spatial information, amino acid conservation, physicochemical variation, residue mobility, and thermodynamic stability) performed at Invitae indicates that this missense variant is not expected to disrupt FANCC protein function. In summary, the available evidence is currently insufficient to determine the role of this variant in disease. Therefore, it has been classified as a Variant of Uncertain Significance. This sequence change replaces alanine, which is neutral and non-polar, with threonine, which is neutral and polar, at codon 415 of the FANCC protein (p.Ala415Thr). This variant is not present in population databases (gnomAD no frequency). This variant has not been reported in the literature in individuals affected with FANCC-related conditions.

NM_000136.3(FANCC):c.1243G>A (p.Ala415Thr)

Genes: FANCC (FA complementation group C; minus strand), AOPEP (aminopeptidase O (putative); plus strand). Cytogenetic location: 9q22.32.
Variant type: single nucleotide variant.
Coding change: c.1243G>A on transcript NM_000136.3 (MANE Select); coding-DNA position 1243, G replaced by A.
Protein change: p.Ala415Thr; replaces alanine 415 with threonine.
Molecular consequence: missense variant.
Genome position (GRCh38, 1-based): chr9:95,111,549, C>T on the plus strand (G>A on the coding strand, the complement: FANCC is on the minus strand). VCF-style: chr9-95111549-C-T. GRCh37 (hg19) VCF-style: chr9-97873831-C-T.
Other names: c.1243G>A, p.Ala415Thr (NM_001243743.2, NM_001243744.2); short protein forms A415T.
Identifiers: ClinVar variation 1898849 (VCV001898849.8), dbSNP rs1381182324, ClinGen allele CA374107390.